The following is an entry in ClinVar:

NC_000013.10:g.(?_32890592)_(32893468_?)dup

Gene: BRCA2 (BRCA2 DNA repair associated; plus strand). Cytogenetic location: 13q13.1.
Variant type: Duplication.
Identifiers: ClinVar variation 531576 (VCV000531576.8).

ClinVar aggregate classification (germline): Uncertain significance (1 of 4 stars; one submission).

Conditions:
Hereditary breast ovarian cancer syndrome. Also called: Hereditary breast and ovarian cancer syndrome (HBOC); BRCA1- and BRCA2-Associated Hereditary Breast and Ovarian Cancer; Hereditary breast and ovarian cancer syndrome; Breast and ovarian cancer; Hereditary breast and ovarian cancer; Hereditary breast and/or ovarian cancer syndrome. Identifiers: Orphanet 145, MedGen C0677776, MeSH D061325, MONDO:0003582. Disease mechanism: loss of function.

Submission:

Labcorp Genetics (formerly Invitae), Labcorp
Classification: Uncertain significance for Hereditary breast ovarian cancer syndrome. Last evaluated: 2021-08-04. Review status: criteria provided, single submitter. Criteria: Invitae Variant Classification Sherloc (09022015). Collection method: clinical testing. Allele origin: germline.
Comment: This variant results in a copy number gain of the genomic region encompassing exon(s) 2-3 of the BRCA2 gene. This region includes the initiator codon of the gene. The 5' end of this event is unknown as it extends beyond the assayed region for this gene and therefore may encompass additional genes. The 3' boundary is likely confined to intron 3 of the BRCA2 gene. As the precise location of this event is unknown, it may be in tandem or it may be located elsewhere in the genome. This variant has not been reported in the literature in individuals affected with BRCA2-related conditions. In summary, the available evidence is currently insufficient to determine the role of this variant in disease. Therefore, it has been classified as a Variant of Uncertain Significance.